The following is an entry in ClinVar:

NM_001286.5(CLCN6):c.1977C>G (p.Phe659Leu)

Gene: CLCN6 (chloride voltage-gated channel 6; plus strand). Cytogenetic location: 1p36.22.
Variant type: single nucleotide variant.
Coding change: c.1977C>G on transcript NM_001286.5 (MANE Select); coding-DNA position 1977, C replaced by G.
Protein change: p.Phe659Leu; replaces phenylalanine 659 with leucine.
Molecular consequence: missense variant. On other transcripts: non-coding transcript variant (1).
Genome position (GRCh38, 1-based): chr1:11,836,150, C>G. VCF-style: chr1-11836150-C-G. GRCh37 (hg19) VCF-style: chr1-11896207-C-G.
Other names: c.1911C>G, p.Phe637Leu (NM_001256959.2); short protein forms F637L, F659L.
Identifiers: ClinVar variation 2766040 (VCV002766040.3), dbSNP rs2523165605, ClinGen allele CA338439051.

ClinVar aggregate classification (germline): Uncertain significance (1 of 4 stars; one submission).

Submission:

Labcorp Genetics (formerly Invitae), Labcorp
Classification: Uncertain significance. Last evaluated: 2023-10-05. Review status: criteria provided, single submitter. Criteria: Invitae Variant Classification Sherloc (09022015). Collection method: clinical testing. Allele origin: germline.
Comment: This sequence change replaces phenylalanine, which is neutral and non-polar, with leucine, which is neutral and non-polar, at codon 659 of the CLCN6 protein (p.Phe659Leu). This variant is not present in population databases (gnomAD no frequency). This variant has not been reported in the literature in individuals affected with CLCN6-related conditions. An algorithm developed to predict the effect of missense changes on protein structure and function (PolyPhen-2) suggests that this variant is likely to be tolerated. In summary, the available evidence is currently insufficient to determine the role of this variant in disease. Therefore, it has been classified as a Variant of Uncertain Significance.